The following is an entry in ClinVar:

NM_004415.4(DSP):c.5779C>T (p.Gln1927Ter)

Gene: DSP (desmoplakin; plus strand). Cytogenetic location: 6p24.3.
Variant type: single nucleotide variant.
Coding change: c.5779C>T on transcript NM_004415.4 (MANE Select); coding-DNA position 5779, C replaced by T.
Protein change: p.Gln1927Ter; replaces glutamine 1927 with a stop codon.
Molecular consequence: nonsense.
Genome position (GRCh38, 1-based): chr6:7,583,041, C>T. VCF-style: chr6-7583041-C-T. GRCh37 (hg19) VCF-style: chr6-7583274-C-T.
Other names: c.3982C>T, p.Gln1328Ter (NM_001008844.3); c.4450C>T, p.Gln1484Ter (NM_001319034.2); short protein forms Q1927*, Q1328*, Q1484*.
Identifiers: ClinVar variation 2133977 (VCV002133977.4), dbSNP rs794728104, ClinGen allele CA362689397.

ClinVar aggregate classification (germline): Pathogenic (1 of 4 stars; one submission).

Conditions:
Arrhythmogenic right ventricular dysplasia 8 (ARVD8). Also called: ARRHYTHMOGENIC RIGHT VENTRICULAR DYSPLASIA, FAMILIAL, 8; ARRHYTHMOGENIC RIGHT VENTRICULAR CARDIOMYOPATHY 8; Arrhythmogenic Right Ventricular Dysplasia/Cardiomyopathy 8. Identifiers: MedGen C1843896, MONDO:0011831, OMIM 607450.
Arrhythmogenic cardiomyopathy with wooly hair and keratoderma. Also called: Dilated cardiomyopathy with woolly hair and keratoderma; PALMOPLANTAR KERATODERMA WITH LEFT VENTRICULAR CARDIOMYOPATHY AND WOOLLY HAIR; Arrhythmogenic cardiomyopathy with woolly hair and keratoderma; Carvajal syndrome. Identifiers: Orphanet 65282, MedGen C1854063, MONDO:0011581, OMIM 605676.

gnomAD v4.1: 1 of 1,614,016 alleles (0.000062%); highest among the groups gnomAD compares: Non-Finnish European, 0.000085%; no homozygotes.

Submission:

Labcorp Genetics (formerly Invitae), Labcorp
Classification: Pathogenic for Arrhythmogenic cardiomyopathy with wooly hair and keratoderma; Arrhythmogenic right ventricular dysplasia 8. Last evaluated: 2022-05-05. Review status: criteria provided, single submitter. Criteria: Invitae Variant Classification Sherloc (09022015). Collection method: clinical testing. Allele origin: germline.
Comment: This sequence change creates a premature translational stop signal (p.Gln1927*) in the DSP gene. While this is not anticipated to result in nonsense mediated decay, it is expected to disrupt the last 945 amino acid(s) of the DSP protein. This variant has not been reported in the literature in individuals affected with DSP-related conditions. This variant is not present in population databases (gnomAD no frequency). This variant disrupts a region of the DSP protein in which other variant(s) (p.Glu2728Glyfs*11) have been determined to be pathogenic (Invitae). This suggests that this is a clinically significant region of the protein, and that variants that disrupt it are likely to be disease-causing. For these reasons, this variant has been classified as Pathogenic.